The following is an entry in ClinVar:

ClinVar aggregate classification (germline): Uncertain significance. Review status: criteria provided, multiple submitters, no conflicts (2 of 4 stars). 2 submissions from 2 submitters: Uncertain significance (2). Last evaluated 2025-06-12.

Allele frequency attached by ClinVar (database versions not stated): gnomAD 0.00001; ExAC 0.00008.

Submissions (2):

Ambry Genetics
Classification: Uncertain significance. Last evaluated: 2025-06-12. Review status: criteria provided, single submitter. Criteria: Ambry Variant Classification Scheme 2023. Collection method: clinical testing. Allele origin: germline.

Labcorp Genetics (formerly Invitae), Labcorp
Classification: Uncertain significance. Last evaluated: 2022-08-23. Review status: criteria provided, single submitter. Criteria: Invitae Variant Classification Sherloc (09022015). Collection method: clinical testing. Allele origin: germline.
Comment: This sequence change replaces alanine, which is neutral and non-polar, with valine, which is neutral and non-polar, at codon 30 of the GSC protein (p.Ala30Val). The frequency data for this variant in the population databases is considered unreliable, as metrics indicate poor data quality at this position in the gnomAD database. This variant has not been reported in the literature in individuals affected with GSC-related conditions. Algorithms developed to predict the effect of missense changes on protein structure and function (SIFT, PolyPhen-2, Align-GVGD) all suggest that this variant is likely to be tolerated. In summary, the available evidence is currently insufficient to determine the role of this variant in disease. Therefore, it has been classified as a Variant of Uncertain Significance.

NM_173849.3(GSC):c.89C>T (p.Ala30Val)

Gene: GSC (goosecoid homeobox; minus strand). Cytogenetic location: 14q32.13.
Variant type: single nucleotide variant.
Coding change: c.89C>T on transcript NM_173849.3 (MANE Select); coding-DNA position 89, C replaced by T.
Protein change: p.Ala30Val; replaces alanine 30 with valine.
Molecular consequence: missense variant.
Genome position (GRCh38, 1-based): chr14:94,769,927, G>A on the plus strand (C>T on the coding strand, the complement: GSC is on the minus strand). VCF-style: chr14-94769927-G-A. GRCh37 (hg19) VCF-style: chr14-95236264-G-A.
Other names: c.89C>T (NM_173849.2); short protein forms A30V.
Identifiers: ClinVar variation 2161310 (VCV002161310.5), dbSNP rs760439922, ClinGen allele CA7330555.